The following is an entry in ClinVar:

ClinVar aggregate classification (germline): Pathogenic (1 of 4 stars; one submission).

Conditions:
MPI-congenital disorder of glycosylation. Also called: CDG Ib; MANNOSEPHOSPHATE ISOMERASE DEFICIENCY; PROTEIN-LOSING ENTEROPATHY-HEPATIC FIBROSIS SYNDROME; CONGENITAL DISORDER OF GLYCOSYLATION, TYPE Ib; MPI DEFICIENCY; MPI-CDG. Identifiers: Orphanet 79319, MedGen C1865145, MONDO:0011257, OMIM 602579.

Submission:

Myriad Genetics, Inc.
Classification: Pathogenic for MPI-congenital disorder of glycosylation. Last evaluated: 2026-08-03. Review status: criteria provided, single submitter. Criteria: Myriad Autosomal Dominant, Autosomal Recessive and X-Linked Classification Criteria (2023). Collection method: clinical testing. Allele origin: unknown.
Comment: NM_002435.1(MPI):c.51delC(W18Gfs*54) is a frameshift variant classified as pathogenic in the context of congenital disorder of glycosylation, MPI-related. W18Gfs*54 has not been observed in cases with relevant disease. Relevant functional assessments of this variant are not available in the literature. W18Gfs*54 has not been observed in referenced population frequency databases. In summary, NM_002435.1(MPI):c.51delC(W18Gfs*54) is a frameshift variant in a gene where loss of function is a known mechanism of disease and is predicted to disrupt protein function. Please note: this variant was assessed in the context of healthy population screening.

NM_002435.3(MPI):c.51del (p.Trp18fs)

Gene: MPI (mannose phosphate isomerase; plus strand). Cytogenetic location: 15q24.1.
Variant type: Deletion.
Coding change: c.51del on transcript NM_002435.3 (MANE Select); coding-DNA position 51, one base deleted (C; older notation c.51delC).
Protein change: p.Trp18fs; shifts the reading frame from tryptophan 18.
Molecular consequence: frameshift variant. On other transcripts: 5 prime UTR variant (1), intron variant (1).
Genome position (GRCh38, 1-based): chr15:74,890,561, C deleted; the last of 2 consecutive C bases (chr15:74,890,560-74,890,561); deleting either gives the same sequence. VCF-style (leftmost placement, unchanged base first): chr15-74890559-GC-G. GRCh37 (hg19) VCF-style: chr15-75182900-GC-G.
Other names: c.51del, p.Trp18fs (NM_001289155.2, NM_001289157.2); c.-10del (NM_001330372.2); c.-7+472del (NM_001289156.2); short protein forms W18fs.
Identifiers: ClinVar variation 5004823 (VCV005004823.1).
Genomic context (GRCh38, chr15:74,890,559, plus strand): 5'-TGGCAGCTGACCCTGTCTGTGCCCCTAGTATTCCCACTTTCCTGTGCGGTGCAGCAGTAT[GC>G]CTGGGGGAAGATGGGTTCCAACAGCGAAGTGGCGCGGCTGTTGGCCAGCAGTGATCCACT-3'